The following is an entry in ClinVar:

ClinVar aggregate classification (germline): Uncertain significance (1 of 4 stars; one submission).

Conditions:
DOCK2 deficiency. Also called: Immunodeficiency 40. Identifiers: Orphanet 447737, MedGen C4225328, MONDO:0014637, OMIM 616433.

Allele frequency attached by ClinVar (database versions not stated): gnomAD exomes 0.00001 and 0.00002; ExAC 0.00004; gnomAD 0.00006; TOPMed 0.00009; ESP Exome Variant Server 0.00015; 1000 Genomes Project 0.00040; 1000 Genomes Project 30x 0.00047.
gnomAD v4.1: 34 of 1,614,066 alleles (0.0021%); highest among the groups gnomAD compares: African/African-American, 0.035%; no homozygotes.

Submission:

Labcorp Genetics (formerly Invitae), Labcorp
Classification: Uncertain significance for DOCK2 deficiency. Last evaluated: 2024-11-18. Review status: criteria provided, single submitter. Criteria: Invitae Variant Classification Sherloc (09022015). Collection method: clinical testing. Allele origin: germline.
Comment: This sequence change replaces methionine, which is neutral and non-polar, with valine, which is neutral and non-polar, at codon 625 of the DOCK2 protein (p.Met625Val). This variant is present in population databases (rs149106608, gnomAD 0.04%). This variant has not been reported in the literature in individuals affected with DOCK2-related conditions. ClinVar contains an entry for this variant (Variation ID: 1415380). An algorithm developed to predict the effect of missense changes on protein structure and function (PolyPhen-2) suggests that this variant¬†is likely to be tolerated. In summary, the available evidence is currently insufficient to determine the role of this variant in disease. Therefore, it has been classified as a Variant of Uncertain Significance.

NM_004946.3(DOCK2):c.1873A>G (p.Met625Val)

Gene: DOCK2 (dedicator of cytokinesis 2; plus strand). Cytogenetic location: 5q35.1.
Variant type: single nucleotide variant.
Coding change: c.1873A>G on transcript NM_004946.3 (MANE Select); coding-DNA position 1873, A replaced by G.
Protein change: p.Met625Val; replaces methionine 625 with valine.
Molecular consequence: missense variant. On other transcripts: non-coding transcript variant (1).
Genome position (GRCh38, 1-based): chr5:169,714,389, A>G. VCF-style: chr5-169714389-A-G. GRCh37 (hg19) VCF-style: chr5-169141393-A-G.
Other names: short protein forms M625V.
Identifiers: ClinVar variation 1415380 (VCV001415380.6), dbSNP rs149106608, ClinGen allele CA3553619.
Genomic context (GRCh38, chr5:169,714,389, plus strand): 5'-GATACTTCTGAATGTCTGGACTCTATTTTAGTGGGCTTGCTGGGTTTGCTGAAGTGGCGT[A>G]TGAAGCCTCAACTGCTACAGGAGAATTTAGAAAAGTTGAAGATTGTGGATGGAGAGGAAG-3'
Protein context (NP_004937.1, residues 615-635): VGLLGLLKWR[Met625Val]KPQLLQENLE